The following is an entry in ClinVar:

NM_000505.4(F12):c.1569G>A (p.Gln523=)

Gene: F12 (coagulation factor XII; minus strand). Cytogenetic location: 5q35.3.
Variant type: single nucleotide variant.
Coding change: c.1569G>A on transcript NM_000505.4 (MANE Select); coding-DNA position 1569, G replaced by A.
Protein change: p.Gln523=; no amino-acid change (glutamine 523 retained).
Molecular consequence: synonymous variant.
Genome position (GRCh38, 1-based): chr5:177,402,661, C>T on the plus strand (G>A on the coding strand, the complement: F12 is on the minus strand). VCF-style: chr5-177402661-C-T. GRCh37 (hg19) VCF-style: chr5-176829662-C-T.
Identifiers: ClinVar variation 2656116 (VCV002656116.24), dbSNP rs2481036745, ClinGen allele CA447964416.
Genomic context (GRCh38, chr5:177,402,661, plus strand): 5'-GAGGATGGAGGATCCGTGCACGTCCGGGGCTGAGCAGCGCTCCAGGGAGAGGAACGGTAC[C>T]TGCGCCTCCTGCAGGAAGCTGGCATATTCCTCCGCCCCTGCGAACACAGAGCGCCTTCTT-3'
Protein context (NP_000496.2, residues 513-533): EEYASFLQEA[Gln523=]VPFLSLERCS

ClinVar aggregate classification (germline): Likely benign (1 of 4 stars; one submission).

Allele frequency attached by ClinVar (database versions not stated): gnomAD exomes 0.00001.
gnomAD v4.1: 8 of 1,612,594 alleles (0.0005%); highest among the groups gnomAD compares: Non-Finnish European, 0.00059%; no homozygotes.

Submission:

CeGaT Center for Human Genetics Tuebingen
Classification: Likely benign. Last evaluated: 2023-10-01. Review status: criteria provided, single submitter. Criteria: CeGaT Center For Human Genetics Tuebingen Variant Classification Criteria Version 2. Collection method: clinical testing. Allele origin: germline. Affected: yes. Observed: 1 variant allele.
Comment: F12: PM2:Supporting, BP4, BP7